The following is an entry in ClinVar:

NM_016580.4(PCDH12):c.3528CAG[7] (p.Ser1181dup)

Gene: PCDH12 (protocadherin 12; minus strand). Cytogenetic location: 5q31.3.
Variant type: Microsatellite.
Coding change: c.3528CAG[7] on transcript NM_016580.4 (MANE Select); seven copies in a row of the 3-base unit CAG starting at c.3528; the reference has six copies in a row; one copy, 3 bases duplicated.
Protein change: p.Ser1181dup; duplicates serine 1181.
Molecular consequence: inframe insertion.
Genome position (GRCh38, 1-based): chr5:141,945,391-141,945,393, CTG duplicated on the plus strand (CAG on the coding strand, the reverse complement: PCDH12 is on the minus strand); duplicating any 3 consecutive bases within chr5:141,945,391-141,945,409 gives the same sequence; the position shown is the placement nearest the transcript's 3' end. VCF-style (leftmost placement, unchanged base first): chr5-141945390-C-CCTG. GRCh37 (hg19) VCF-style: chr5-141324955-C-CCTG.
Identifiers: ClinVar variation 1365662 (VCV001365662.6), dbSNP rs5871792, ClinGen allele CA3483913.
Genomic context (GRCh38, chr5:141,945,390, plus strand): 5'-CACAGATCCTCAGGCCCCTGGTTCTTGGATCCAGAGGCGTCTGAGGTATGTTCACAGGCA[C>CCTG]CTGCTGCTGCTGCTGCTGCCTCTGCTCTTGCCCTCAGTCCCCGTCTTTCCACCTGGGTCC-3'

ClinVar aggregate classification (germline): Uncertain significance (1 of 4 stars; one submission).

Submission:

Labcorp Genetics (formerly Invitae), Labcorp
Classification: Uncertain significance. Last evaluated: 2022-01-02. Review status: criteria provided, single submitter. Criteria: Invitae Variant Classification Sherloc (09022015). Collection method: clinical testing. Allele origin: germline.
Comment: In summary, the available evidence is currently insufficient to determine the role of this variant in disease. Therefore, it has been classified as a Variant of Uncertain Significance. Algorithms developed to predict the effect of sequence changes on RNA splicing suggest that this variant may create or strengthen a splice site. This variant has not been reported in the literature in individuals affected with PCDH12-related conditions. This variant is not present in population databases (gnomAD no frequency). This variant, c.3543_3545dup, results in the insertion of 1 amino acid(s) of the PCDH12 protein (p.Ser1181dup), but otherwise preserves the integrity of the reading frame.